The following is an entry in ClinVar:

ClinVar aggregate classification (germline): Conflicting classifications of pathogenicity. Review status: criteria provided, conflicting classifications (1 of 4 stars). 2 submissions from 2 submitters: Uncertain significance (1); Likely benign (1). Last evaluated 2023-12-21.

Conditions:
Inborn genetic diseases. Identifiers: MedGen C0950123, MeSH D030342.

Allele frequency attached by ClinVar (database versions not stated): TOPMed below 0.00001; gnomAD 0.00001; gnomAD exomes 0.00001; ExAC 0.00002.
gnomAD v4.1: 12 of 1,613,974 alleles (0.00074%); highest among the groups gnomAD compares: South Asian, 0.0011%; no homozygotes.

Submissions (2):

Ambry Genetics
Classification: Uncertain significance for Inborn genetic diseases. Last evaluated: 2023-12-21. Review status: criteria provided, single submitter. Criteria: Ambry Variant Classification Scheme 2023. Collection method: clinical testing. Allele origin: germline.

CeGaT Center for Human Genetics Tuebingen
Classification: Likely benign. Last evaluated: 2023-06-01. Review status: criteria provided, single submitter. Criteria: CeGaT Center For Human Genetics Tuebingen Variant Classification Criteria Version 2. Collection method: clinical testing. Allele origin: germline. Affected: yes. Observed: 1 variant allele.
Comment: AFF4: PP3, BS2

NM_014423.4(AFF4):c.2111C>T (p.Pro704Leu)

Gene: AFF4 (ALF transcription elongation factor 4; minus strand). Cytogenetic location: 5q31.1.
Variant type: single nucleotide variant.
Coding change: c.2111C>T on transcript NM_014423.4 (MANE Select); coding-DNA position 2111, C replaced by T.
Protein change: p.Pro704Leu; replaces proline 704 with leucine.
Molecular consequence: missense variant.
Genome position (GRCh38, 1-based): chr5:132,896,519, G>A on the plus strand (C>T on the coding strand, the complement: AFF4 is on the minus strand). VCF-style: chr5-132896519-G-A. GRCh37 (hg19) VCF-style: chr5-132232211-G-A.
Other names: c.2111C>T (NM_014423.3); short protein forms P704L.
Identifiers: ClinVar variation 2571232 (VCV002571232.28), dbSNP rs767048520, ClinGen allele CA3409001.
Genomic context (GRCh38, chr5:132,896,519, plus strand): 5'-GTCAAAAGATTCAGGTCAATCTTCACAATAAGTGGGTACCTGTCATCAGGCTCACTGAGG[G>A]GTGAAAGAAGTTCCTTCTCTTCCATAGGAGAGAACATTCGTTGCCGAAAAAAGCTATCTT-3'
Protein context (NP_055238.1, residues 694-714): SPMEEKELLS[Pro704Leu]LSEPDDRYPL